The following is an entry in ClinVar:

ClinVar aggregate classification (germline): Benign/Likely benign. Review status: criteria provided, multiple submitters, no conflicts (2 of 4 stars). 6 submissions from 6 submitters: Benign (2); Likely benign (3). 1 of the submissions does not count toward it. Last evaluated 2026-01-14.

Conditions:
Cardiovascular phenotype. Identifiers: MedGen CN230736.
SPRED1-related disorder. Also called: SPRED1-related condition.
Legius syndrome. Identifiers: Orphanet 137605, MedGen C1969623, MONDO:0012669, OMIM 611431. Disease mechanism: loss of function.

Allele frequency attached by ClinVar (database versions not stated): gnomAD exomes 0.00002 and 0.00004; ExAC 0.00004; gnomAD 0.00014 and 0.00015; TOPMed 0.00017.
gnomAD v4.1: 46 of 1,612,828 alleles (0.0029%); highest among the groups gnomAD compares: African/African-American, 0.061%; no homozygotes.

Submissions (6):

Labcorp Genetics (formerly Invitae), Labcorp
Classification: Benign for Legius syndrome. Last evaluated: 2026-01-14. Review status: criteria provided, single submitter. Criteria: Invitae Variant Classification Sherloc (09022015). Collection method: clinical testing. Allele origin: germline.

Ambry Genetics
Classification: Benign for Cardiovascular phenotype. Last evaluated: 2024-09-12. Review status: criteria provided, single submitter. Criteria: Ambry Variant Classification Scheme 2023. Collection method: clinical testing. Allele origin: germline.

Blueprint Genetics
Classification: Likely benign. Last evaluated: 2024-09-10. Review status: criteria provided, single submitter. Criteria: ACMG Guidelines, 2015. Collection method: clinical testing. Allele origin: germline.

CeGaT Center for Human Genetics Tuebingen
Classification: Likely benign. Last evaluated: 2024-08-01. Review status: criteria provided, single submitter. Criteria: CeGaT Center For Human Genetics Tuebingen Variant Classification Criteria Version 2. Collection method: clinical testing. Allele origin: germline. Affected: yes. Observed: 1 variant allele.
Comment: SPRED1: BP4

GeneDx
Classification: Likely benign. Last evaluated: 2017-10-25. Review status: criteria provided, single submitter. Criteria: GeneDx Variant Classification (06012015). Collection method: clinical testing. Allele origin: germline. Affected: yes.
Comment: This variant is considered likely benign or benign based on one or more of the following criteria: it is a conservative change, it occurs at a poorly conserved position in the protein, it is predicted to be benign by multiple in silico algorithms, and/or has population frequency not consistent with disease.

PreventionGenetics, part of Exact Sciences
Classification: Likely benign for SPRED1-related condition. Last evaluated: 2023-10-06. Review status: no assertion criteria provided. Collection method: clinical testing. Allele origin: germline. Not counted in ClinVar's aggregate classification.
Comment: This variant is classified as likely benign based on ACMG/AMP sequence variant interpretation guidelines (Richards et al. 2015 PMID: 25741868, with internal and published modifications).

NM_152594.3(SPRED1):c.376+3A>T

Gene: SPRED1 (sprouty related EVH1 domain containing 1; plus strand). Cytogenetic location: 15q14.
Variant type: single nucleotide variant.
Coding change: c.376+3A>T on transcript NM_152594.3 (MANE Select); 3 bases into the intron after coding-DNA position 376, A replaced by T.
Molecular consequence: intron variant.
Genome position (GRCh38, 1-based): chr15:38,322,412, A>T. VCF-style: chr15-38322412-A-T. GRCh37 (hg19) VCF-style: chr15-38614613-A-T.
Identifiers: ClinVar variation 516692 (VCV000516692.29), dbSNP rs775985211, ClinGen allele CA7470045.
Genomic context (GRCh38, chr15:38,322,412, plus strand): 5'-GCTGATGCTAGGGCTTTTGATAGAGGTATCCGAAGAGCTATAGAGGATATTTCTCAAGGT[A>T]GGTATTCTTGACTATTTTCTTAATTTATTTATCGGTTATATATAGTAGAGGTTATCTTTC-3'